The following is an entry in ClinVar:

NM_133433.4(NIPBL):c.2788A>G (p.Thr930Ala)

Gene: NIPBL (NIPBL cohesin loading factor; plus strand). Cytogenetic location: 5p13.2.
Variant type: single nucleotide variant.
Coding change: c.2788A>G on transcript NM_133433.4 (MANE Select); coding-DNA position 2788, A replaced by G.
Protein change: p.Thr930Ala; replaces threonine 930 with alanine.
Molecular consequence: missense variant.
Genome position (GRCh38, 1-based): chr5:36,985,968, A>G. VCF-style: chr5-36985968-A-G. GRCh37 (hg19) VCF-style: chr5-36986070-A-G.
Other names: c.2788A>G, p.Thr930Ala (NM_001438586.1, NM_015384.5); short protein forms T930A.
Identifiers: ClinVar variation 4881095 (VCV004881095.2).
Genomic context (GRCh38, chr5:36,985,968, plus strand): 5'-TTTAAATCACCAACTAGTAAAGATGACAAAAGGACAGAGGGTAACAAGAGTAAAGTAGAC[A>G]CTAATAAAGCACACCCTGACAATAAGGCAGAATTTCCAAGTTATTTGTTGGGGGGCAGGT-3'
Protein context (NP_597677.2, residues 920-940): RTEGNKSKVD[Thr930Ala]NKAHPDNKAE

ClinVar aggregate classification (germline): Uncertain significance (1 of 4 stars; one submission).

gnomAD v4.1: 1 of 1,613,986 alleles (0.000062%); highest among the groups gnomAD compares: South Asian, 0.0011%; no homozygotes.

Submission:

Dasa
Classification: Uncertain significance. Last evaluated: 2026-01-06. Review status: criteria provided, single submitter. Criteria: DASA Assertion Criteria. Collection method: clinical testing. Allele origin: germline.
Comment: NM_133433.4(NIPBL):c.2788A>G (p.Thr930Ala) is a missense variant that results in the substitution of threonine with alanine. This variant is rare in population databases. The currently available literature and clinical evidence are not sufficient to establish a definitive association between this variant and the reported condition. Therefore, this variant is classified as a variant of uncertain significance.